The following is an entry in ClinVar:

ClinVar aggregate classification (germline): Uncertain significance (1 of 4 stars; one submission).

Conditions:
Inborn genetic diseases. Identifiers: MedGen C0950123, MeSH D030342.

Submission:

Ambry Genetics
Classification: Uncertain significance for Inborn genetic diseases. Last evaluated: 2023-04-07. Review status: criteria provided, single submitter. Criteria: Ambry Variant Classification Scheme 2023. Collection method: clinical testing. Allele origin: germline.
Comment: The p.V573M variant (also known as c.1717G>A), located in coding exon 14 of the BUB1B gene, results from a G to A substitution at nucleotide position 1717. The valine at codon 573 is replaced by methionine, an amino acid with highly similar properties. This amino acid position is conserved. In addition, this alteration is predicted to be tolerated by in silico analysis. Since supporting evidence is limited at this time, the clinical significance of this alteration remains unclear.

NM_001211.6(BUB1B):c.1717G>A (p.Val573Met)

Gene: BUB1B (BUB1 mitotic checkpoint serine/threonine kinase B; plus strand). Cytogenetic location: 15q15.1.
Variant type: single nucleotide variant.
Coding change: c.1717G>A on transcript NM_001211.6 (MANE Select); coding-DNA position 1717, G replaced by A.
Protein change: p.Val573Met; replaces valine 573 with methionine.
Molecular consequence: missense variant.
Genome position (GRCh38, 1-based): chr15:40,202,677, G>A. VCF-style: chr15-40202677-G-A. GRCh37 (hg19) VCF-style: chr15-40494878-G-A.
Other names: short protein forms V573M.
Identifiers: ClinVar variation 2565444 (VCV002565444.2), dbSNP rs1390700281, ClinGen allele CA391691714.